The following is an entry in ClinVar:

NM_000256.3(MYBPC3):c.569del (p.Lys190fs)

Gene: MYBPC3 (myosin binding protein C3; minus strand). Cytogenetic location: 11p11.2.
Variant type: Deletion.
Coding change: c.569del on transcript NM_000256.3 (MANE Select); coding-DNA position 569, one base deleted (A; older notation c.569delA).
Protein change: p.Lys190fs; shifts the reading frame from lysine 190.
Molecular consequence: frameshift variant.
Genome position (GRCh38, 1-based): chr11:47,349,859, T deleted on the plus strand (A on the coding strand, the reverse complement: MYBPC3 is on the minus strand); the first of 2 consecutive T bases (chr11:47,349,859-47,349,860); deleting either gives the same sequence. VCF-style (leftmost placement, unchanged base first): chr11-47349858-CT-C. GRCh37 (hg19) VCF-style: chr11-47371409-CT-C.
Other names: short protein forms K190fs.
Identifiers: ClinVar variation 2743183 (VCV002743183.3), dbSNP rs2495780650, ClinGen allele CA2697548558.
Genomic context (GRCh38, chr11:47,349,858, plus strand): 5'-GTGCAGCTGCAGGTGCTGGCCCACCTTGCTGCTCAGGTCCACCCATTTGCCCTTGAACCA[CT>C]TGACCACAGGCGGCTTCAGGAGGCTGGCGCCGGCCACGCGGGCTGAGAAGGTGATGCTGC-3'

ClinVar aggregate classification (germline): Pathogenic (1 of 4 stars; one submission).

Conditions:
Hypertrophic cardiomyopathy. Also called: HYPERTROPHIC MYOCARDIOPATHY. Identifiers: Orphanet 217569, MedGen C0007194, MeSH D002312, MONDO:0005045, HP:0001639.

Submission:

Labcorp Genetics (formerly Invitae), Labcorp
Classification: Pathogenic for Hypertrophic cardiomyopathy. Last evaluated: 2023-07-14. Review status: criteria provided, single submitter. Criteria: Invitae Variant Classification Sherloc (09022015). Collection method: clinical testing. Allele origin: germline.
Comment: For these reasons, this variant has been classified as Pathogenic. This variant has not been reported in the literature in individuals affected with MYBPC3-related conditions. This variant is not present in population databases (gnomAD no frequency). This sequence change creates a premature translational stop signal (p.Lys190Serfs*10) in the MYBPC3 gene. It is expected to result in an absent or disrupted protein product. Loss-of-function variants in MYBPC3 are known to be pathogenic (PMID: 19574547).

Literature cited by the submitters: PubMed 19574547.